The following is an entry in ClinVar:

NM_001365951.3(KIF1B):c.2606A>G (p.Glu869Gly)

Gene: KIF1B (kinesin family member 1B; plus strand). Cytogenetic location: 1p36.22.
Variant type: single nucleotide variant.
Coding change: c.2606A>G on transcript NM_001365951.3 (MANE Select); coding-DNA position 2606, A replaced by G.
Protein change: p.Glu869Gly; replaces glutamic acid 869 with glycine.
Molecular consequence: missense variant.
Genome position (GRCh38, 1-based): chr1:10,324,826, A>G. VCF-style: chr1-10324826-A-G. GRCh37 (hg19) VCF-style: chr1-10384884-A-G.
Other names: c.2606A>G, p.Glu869Gly (NM_001365952.1); c.2468A>G, p.Glu823Gly (NM_015074.3); short protein forms E823G, E869G.
Identifiers: ClinVar variation 4881750 (VCV004881750.2).

ClinVar aggregate classification (germline): Uncertain significance (1 of 4 stars; one submission).

Submission:

Dasa
Classification: Uncertain significance. Last evaluated: 2024-11-20. Review status: criteria provided, single submitter. Criteria: DASA Assertion Criteria. Collection method: clinical testing. Allele origin: germline.
Comment: NM_001365951.3(KIF1B):c.2606A>G (p.Glu869Gly) is a missense variant that results in the substitution of glutamic acid with glycine. This variant is absent from population databases. Computational prediction algorithms are consistent with a benign effect. The currently available literature and clinical evidence are not sufficient to establish a definitive association between this variant and the reported condition. Therefore, this variant is classified as a variant of uncertain significance.